The following is an entry in ClinVar:

ClinVar aggregate classification (germline): Uncertain significance (1 of 4 stars; one submission).

Conditions:
Inborn genetic diseases. Identifiers: MedGen C0950123, MeSH D030342.

Submission:

Ambry Genetics
Classification: Uncertain significance for Inborn genetic diseases. Last evaluated: 2024-12-08. Review status: criteria provided, single submitter. Criteria: Ambry Variant Classification Scheme 2023. Collection method: clinical testing. Allele origin: germline.
Comment: The p.N1461D variant (also known as c.4381A>G), located in coding exon 16 of the FANCM gene, results from an A to G substitution at nucleotide position 4381. The asparagine at codon 1461 is replaced by aspartic acid, an amino acid with highly similar properties. This amino acid position is conserved. In addition, this alteration is predicted to be tolerated by in silico analysis. Based on the available evidence, the clinical significance of this variant remains unclear.

NM_020937.4(FANCM):c.4381A>G (p.Asn1461Asp)

Gene: FANCM (FA complementation group M; plus strand). Cytogenetic location: 14q21.2.
Variant type: single nucleotide variant.
Coding change: c.4381A>G on transcript NM_020937.4 (MANE Select); coding-DNA position 4381, A replaced by G.
Protein change: p.Asn1461Asp; replaces asparagine 1461 with aspartic acid.
Molecular consequence: missense variant.
Genome position (GRCh38, 1-based): chr14:45,181,700, A>G. VCF-style: chr14-45181700-A-G. GRCh37 (hg19) VCF-style: chr14-45650903-A-G.
Other names: c.4303A>G, p.Asn1435Asp (NM_001308133.2); short protein forms N1461D, N1435D.
Identifiers: ClinVar variation 3512992 (VCV003512992.1).